The following is an entry in ClinVar:

ClinVar aggregate classification (germline): Uncertain significance (1 of 4 stars; one submission).

Conditions:
Autosomal dominant hypocalcemia 1 (HYPOC1). Also called: HYPOCALCEMIA, FAMILIAL. Identifiers: MedGen C3715128, MONDO:0011013, OMIM 601198.
Familial hypocalciuric hypercalcemia (FHH). Also called: Familial benign hypercalcemia. Identifiers: Orphanet 405, MedGen C1809471, MONDO:0018458.

Submission:

Labcorp Genetics (formerly Invitae), Labcorp
Classification: Uncertain significance for Familial hypocalciuric hypercalcemia; Autosomal dominant hypocalcemia 1. Last evaluated: 2023-11-27. Review status: criteria provided, single submitter. Criteria: Invitae Variant Classification Sherloc (09022015). Collection method: clinical testing. Allele origin: germline.
Comment: This sequence change replaces glutamine, which is neutral and polar, with histidine, which is basic and polar, at codon 459 of the CASR protein (p.Gln459His). This variant also falls at the last nucleotide of exon 4, which is part of the consensus splice site for this exon. This variant is not present in population databases (gnomAD no frequency). This variant has not been reported in the literature in individuals affected with CASR-related conditions. An algorithm developed to predict the effect of missense changes on protein structure and function (PolyPhen-2) suggests that this variant is likely to be disruptive. Variants that disrupt the consensus splice site are a relatively common cause of aberrant splicing (PMID: 17576681, 9536098). Algorithms developed to predict the effect of sequence changes on RNA splicing suggest that this variant may disrupt the consensus splice site. This variant disrupts the p.Gln459 amino acid residue in CASR. Other variant(s) that disrupt this residue have been determined to be pathogenic (PMID: 19789209, 24517148, 27666534). This suggests that this residue is clinically significant, and that variants that disrupt this residue are likely to be disease-causing. In summary, the available evidence is currently insufficient to determine the role of this variant in disease. Therefore, it has been classified as a Variant of Uncertain Significance.

Literature cited by the submitters: PubMed 17576681; PubMed 9536098; PubMed 19789209; PubMed 24517148; PubMed 27666534.

NM_000388.4(CASR):c.1377G>T (p.Gln459His)

Gene: CASR (calcium sensing receptor; plus strand). Cytogenetic location: 3q21.1.
Variant type: single nucleotide variant.
Coding change: c.1377G>T on transcript NM_000388.4 (MANE Select); coding-DNA position 1377, G replaced by T.
Protein change: p.Gln459His; replaces glutamine 459 with histidine.
Molecular consequence: missense variant.
Genome position (GRCh38, 1-based): chr3:122,262,412, G>T. VCF-style: chr3-122262412-G-T. GRCh37 (hg19) VCF-style: chr3-121981259-G-T.
Other names: c.1377G>T, p.Gln459His (NM_001178065.2); short protein forms Q459H.
Identifiers: ClinVar variation 2935197 (VCV002935197.3), dbSNP rs375297380, ClinGen allele CA354153437.
Genomic context (GRCh38, chr3:122,262,412, plus strand): 5'-TGGGAGAGGGCTCTTCACCAATGGCTCCTGTGCAGACATCAAGAAAGTTGAGGCGTGGCA[G>T]GTGCGTCCTTCACTTATATAGCAATTTGCTGTATAATAAAGCAGAGTTGGGCTGCAACTC-3'
Protein context (NP_000379.3, residues 449-469): CADIKKVEAW[Gln459His]VLKHLRHLNF